The following is an entry in ClinVar:

NM_004370.6(COL12A1):c.7299G>T (p.Thr2433=)

Genes: COL12A1 (collagen type XII alpha 1 chain; minus strand), LOC126859712 (MED14-independent group 3 enhancer GRCh37_chr6:75828643-75829842; plus strand). Cytogenetic location: 6q13.
Variant type: single nucleotide variant.
Coding change: c.7299G>T on transcript NM_004370.6 (MANE Select); coding-DNA position 7299, G replaced by T.
Protein change: p.Thr2433=; no amino-acid change (threonine 2433 retained).
Molecular consequence: synonymous variant.
Genome position (GRCh38, 1-based): chr6:75,119,098, C>A on the plus strand (G>T on the coding strand, the complement: COL12A1 is on the minus strand). VCF-style: chr6-75119098-C-A. GRCh37 (hg19) VCF-style: chr6-75828814-C-A.
Other names: p.Thr2433=; c.3807G>T, p.Thr1269= (NM_080645.3).
Identifiers: ClinVar variation 259345 (VCV000259345.20), dbSNP rs35551395, ClinGen allele CA3892602.

ClinVar aggregate classification (germline): Benign. Review status: criteria provided, multiple submitters, no conflicts (2 of 4 stars). 5 submissions from 5 submitters: Benign (5). Last evaluated 2026-02-01.

Conditions:
Ullrich congenital muscular dystrophy 2 (UCMD2). Identifiers: Orphanet 75840, MedGen C4225314, MONDO:0014654, OMIM 616470.
Bethlem myopathy 2 (BTHLM2). Identifiers: Orphanet 536516, Orphanet 610, MedGen C4225313, MONDO:0034022, OMIM 616471.

Allele frequency attached by ClinVar (database versions not stated): ESP Exome Variant Server 0.01495; 1000 Genomes Project 30x 0.01874; TOPMed 0.01458; 1000 Genomes Project 0.01717.

Submissions (5):

Labcorp Genetics (formerly Invitae), Labcorp
Classification: Benign for Bethlem myopathy 2; Ullrich congenital muscular dystrophy 2. Last evaluated: 2026-02-01. Review status: criteria provided, single submitter. Criteria: Invitae Variant Classification Sherloc (09022015). Collection method: clinical testing. Allele origin: germline.

Women's Health and Genetics/Laboratory Corporation of America, LabCorp
Classification: Benign. Last evaluated: 2026-01-22. Review status: criteria provided, single submitter. Criteria: LabCorp Variant Classification Summary - May 2015. Collection method: clinical testing. Allele origin: germline.

Mayo Clinic Laboratories, Mayo Clinic
Classification: Benign. Last evaluated: 2023-04-20. Review status: criteria provided, single submitter. Criteria: ACMG Guidelines, 2015. Collection method: clinical testing. Allele origin: germline. Observed: 27 variant alleles.
Comment: BS1, BS2, BP4, BP7

GeneDx
Classification: Benign. Last evaluated: 2018-10-11. Review status: criteria provided, single submitter. Criteria: GeneDx Variant Classification Process June 2021. Collection method: clinical testing. Allele origin: germline. Affected: yes.

PreventionGenetics, part of Exact Sciences
Classification: Benign. Review status: criteria provided, single submitter. Criteria: ACMG Guidelines, 2015. Collection method: clinical testing. Allele origin: germline.